The following is an entry in ClinVar:

ClinVar aggregate classification (germline): Likely pathogenic (1 of 4 stars; one submission).

Submission:

GeneDx
Classification: Likely pathogenic. Last evaluated: 2024-05-28. Review status: criteria provided, single submitter. Criteria: GeneDx Variant Classification Process June 2021. Collection method: clinical testing. Allele origin: germline. Affected: yes.
Comment: In-frame deletion of one amino acid in a non-repeat region; In silico analysis supports that this variant does not alter protein structure/function; Has not been previously published as pathogenic or benign to our knowledge

NM_014516.4(CNOT3):c.1708ATC[1] (p.Ile571del)

Gene: CNOT3 (CCR4-NOT transcription complex subunit 3; plus strand). Cytogenetic location: 19q13.42.
Variant type: Microsatellite.
Coding change: c.1708ATC[1] on transcript NM_014516.4 (MANE Select); one copy of the 3-base unit ATC starting at c.1708; the reference has two copies in a row; one copy, 3 bases deleted.
Protein change: p.Ile571del; deletes isoleucine 571.
Molecular consequence: inframe deletion.
Genome position (GRCh38, 1-based): chr19:54,152,433-54,152,435, ATC deleted; deleting any 3 consecutive bases within chr19:54,152,429-54,152,435 gives the same sequence; the position shown is the placement nearest the transcript's 3' end. VCF-style (leftmost placement, unchanged base first): chr19-54152428-ACAT-A. GRCh37 (hg19) VCF-style: chr19-54656165-ACAT-A.
Other names: short protein forms I571del.
Identifiers: ClinVar variation 2501658 (VCV002501658.2), dbSNP rs775489140, ClinGen allele CA309340566.